The following is an entry in ClinVar:

NM_001136191.3(KANK2):c.2252G>A (p.Arg751Gln)

Gene: KANK2 (KN motif and ankyrin repeat domains 2; minus strand). Cytogenetic location: 19p13.2.
Variant type: single nucleotide variant.
Coding change: c.2252G>A on transcript NM_001136191.3 (MANE Select); coding-DNA position 2252, G replaced by A.
Protein change: p.Arg751Gln; replaces arginine 751 with glutamine.
Molecular consequence: missense variant.
Genome position (GRCh38, 1-based): chr19:11,170,208, C>T on the plus strand (G>A on the coding strand, the complement: KANK2 is on the minus strand). VCF-style: chr19-11170208-C-T. GRCh37 (hg19) VCF-style: chr19-11280884-C-T.
Other names: c.2276G>A (NM_015493.6); c.2252G>A, p.Arg751Gln (NM_001329451.2, NM_001379555.1, NM_001379556.1 and 7 more transcripts); c.2276G>A, p.Arg759Gln (NM_001379548.1, NM_001379549.1, NM_001379550.1 and 5 more transcripts); short protein forms R751Q, R759Q.
Identifiers: ClinVar variation 1627096 (VCV001627096.10), dbSNP rs182645582, ClinGen allele CA9205318.
Genomic context (GRCh38, chr19:11,170,208, plus strand): 5'-TCATCATCTTGCACGTTGACATCTGCCTCACAGGCCAGCAGGGCTTTGACAACGTCCACC[C>T]GCCCGTGGCTGACGGCCAGCATCAGGGCCGTCTGTCCTGCCTGGGGAGGGCAAGGAACAG-3'
Protein context (NP_001129663.1, residues 741-761): TALMLAVSHG[Arg751Gln]VDVVKALLAC

ClinVar aggregate classification (germline): Likely benign. Review status: criteria provided, single submitter (1 of 4 stars). 2 submissions from 2 submitters: Likely benign (1). 1 of the submissions does not count toward it. Last evaluated 2026-01-18.

Conditions:
KANK2-related disorder. Also called: KANK2-related condition.

Allele frequency attached by ClinVar (database versions not stated): gnomAD 0.00016 and 0.00017; gnomAD exomes 0.00078; 1000 Genomes Project 30x 0.00016; 1000 Genomes Project 0.00020; ExAC 0.00047.
gnomAD v4.1: 267 of 1,611,136 alleles (0.017%); highest among the groups gnomAD compares: Admixed American, 0.4%; 1 homozygote.

Submissions (2):

Labcorp Genetics (formerly Invitae), Labcorp
Classification: Likely benign. Last evaluated: 2026-01-18. Review status: criteria provided, single submitter. Criteria: Invitae Variant Classification Sherloc (09022015). Collection method: clinical testing. Allele origin: germline.

PreventionGenetics, part of Exact Sciences
Classification: Likely benign for KANK2-related condition. Last evaluated: 2021-06-23. Review status: no assertion criteria provided. Collection method: clinical testing. Allele origin: germline. Not counted in ClinVar's aggregate classification.
Comment: This variant is classified as likely benign based on ACMG/AMP sequence variant interpretation guidelines (Richards et al. 2015 PMID: 25741868, with internal and published modifications).